The following is an entry in ClinVar:

NM_001320198.2(KRT86):c.197G>A (p.Arg66His)

Gene: KRT86 (keratin 86; plus strand). Cytogenetic location: 12q13.13.
Variant type: single nucleotide variant.
Coding change: c.197G>A on transcript NM_001320198.2 (MANE Select); coding-DNA position 197, G replaced by A.
Protein change: p.Arg66His; replaces arginine 66 with histidine.
Molecular consequence: missense variant.
Genome position (GRCh38, 1-based): chr12:52,302,113, G>A. VCF-style: chr12-52302113-G-A. GRCh37 (hg19) VCF-style: chr12-52695897-G-A.
Other names: NM_002284.3:c.197G>A; short protein forms R66H.
Identifiers: ClinVar variation 66547 (VCV000066547.15), dbSNP rs57242951, ClinGen allele CA217290.

ClinVar aggregate classification (germline): Benign/Likely benign. Review status: criteria provided, multiple submitters, no conflicts (2 of 4 stars). 4 submissions from 4 submitters: Benign (1); Likely benign (2). 1 of the submissions does not count toward it. Last evaluated 2025-05-01.

Allele frequency attached by ClinVar (database versions not stated): TOPMed 0.00712; gnomAD 0.00768 and 0.00769; gnomAD exomes 0.00811 and 0.01232; ExAC 0.01462; 1000 Genomes Project 0.00339; 1000 Genomes Project 30x 0.00344.
gnomAD v4.1: 18,448 of 1,555,630 alleles (1.2%); highest among the groups gnomAD compares: Non-Finnish European, 1.4%; 126 homozygotes.

Submissions (4):

CeGaT Center for Human Genetics Tuebingen
Classification: Benign. Last evaluated: 2025-05-01. Review status: criteria provided, single submitter. Criteria: CeGaT Center For Human Genetics Tuebingen Variant Classification Criteria Version 2. Collection method: clinical testing. Allele origin: germline. Affected: yes. Observed: 1 variant allele.
Comment: KRT86: BS1, BS2

GeneDx
Classification: Likely benign. Last evaluated: 2018-07-05. Review status: criteria provided, single submitter. Criteria: GeneDx Variant Classification Process June 2021. Collection method: clinical testing. Allele origin: germline. Affected: yes.

Breakthrough Genomics
Classification: Likely benign. Review status: criteria provided, single submitter. Criteria: ACMG Guidelines, 2015. Collection method: not provided. Allele origin: germline. Inheritance: Autosomal dominant inheritance. Affected: yes.

Epithelial Biology;  Institute of Medical Biology, Singapore
No classification provided. Review status: no classification provided. Collection method: not provided. Allele origin: not provided. Not counted in ClinVar's aggregate classification.